The following is an entry in ClinVar:

ClinVar aggregate classification (germline): Uncertain significance (1 of 4 stars; one submission).

gnomAD v4.1: 20 of 1,614,196 alleles (0.0012%); highest among the groups gnomAD compares: African/African-American, 0.013%; no homozygotes.

Submission:

Labcorp Genetics (formerly Invitae), Labcorp
Classification: Uncertain significance. Last evaluated: 2024-02-23. Review status: criteria provided, single submitter. Criteria: Invitae Variant Classification Sherloc (09022015). Collection method: clinical testing. Allele origin: germline.
Comment: This sequence change replaces proline, which is neutral and non-polar, with serine, which is neutral and polar, at codon 358 of the TUBB1 protein (p.Pro358Ser). This variant is present in population databases (rs567634011, gnomAD 0.01%). This variant has not been reported in the literature in individuals affected with TUBB1-related conditions. Advanced modeling of protein sequence and biophysical properties (such as structural, functional, and spatial information, amino acid conservation, physicochemical variation, residue mobility, and thermodynamic stability) performed at Invitae indicates that this missense variant is not expected to disrupt TUBB1 protein function with a negative predictive value of 80%. In summary, the available evidence is currently insufficient to determine the role of this variant in disease. Therefore, it has been classified as a Variant of Uncertain Significance.

NM_030773.4(TUBB1):c.1072C>T (p.Pro358Ser)

Gene: TUBB1 (tubulin beta 1 class VI; plus strand). Cytogenetic location: 20q13.32.
Variant type: single nucleotide variant.
Coding change: c.1072C>T on transcript NM_030773.4 (MANE Select); coding-DNA position 1072, C replaced by T.
Protein change: p.Pro358Ser; replaces proline 358 with serine.
Molecular consequence: missense variant.
Genome position (GRCh38, 1-based): chr20:59,024,499, C>T. VCF-style: chr20-59024499-C-T. GRCh37 (hg19) VCF-style: chr20-57599554-C-T.
Other names: short protein forms P358S.
Identifiers: ClinVar variation 3642145 (VCV003642145.2).